The following is an entry in ClinVar:

NM_001365536.1(SCN9A):c.3722T>C (p.Met1241Thr)

Genes: SCN9A (sodium voltage-gated channel alpha subunit 9; minus strand), SCN1A-AS1 (SCN1A and SCN9A antisense RNA 1; plus strand). Cytogenetic location: 2q24.3.
Variant type: single nucleotide variant.
Coding change: c.3722T>C on transcript NM_001365536.1 (MANE Select); coding-DNA position 3722, T replaced by C.
Protein change: p.Met1241Thr; replaces methionine 1241 with threonine.
Molecular consequence: missense variant.
Genome position (GRCh38, 1-based): chr2:166,238,173, A>G on the plus strand (T>C on the coding strand, the complement: SCN9A is on the minus strand). VCF-style: chr2-166238173-A-G. GRCh37 (hg19) VCF-style: chr2-167094683-A-G.
Other names: c.3689T>C, p.Met1230Thr (NM_002977.4); short protein forms M1230T, M1241T.
Identifiers: ClinVar variation 538436 (VCV000538436.9), dbSNP rs200123848, ClinGen allele CA59813655.

ClinVar aggregate classification (germline): Uncertain significance (1 of 4 stars; one submission).

Conditions:
Neuropathy, hereditary sensory and autonomic, type 2A (HSAN2A). Also called: ACROOSTEOLYSIS, GIACCAI TYPE; ACROOSTEOLYSIS, NEUROGENIC; MORVAN DISEASE; NEUROPATHY, CONGENITAL SENSORY; NEUROPATHY, HEREDITARY SENSORY RADICULAR, AUTOSOMAL RECESSIVE; NEUROPATHY, HEREDITARY SENSORY, TYPE IIA. Identifiers: Orphanet 970, MedGen C2752089, MONDO:0024309, OMIM 201300.
Generalized epilepsy with febrile seizures plus, type 7 (GEFSP7). Also called: GEFS+, TYPE 7. Identifiers: Orphanet 36387, MedGen C2751778, MONDO:0013470, OMIM 613863.

Allele frequency attached by ClinVar (database versions not stated): TOPMed below 0.00001; gnomAD exomes 0.00001.

Submission:

Labcorp Genetics (formerly Invitae), Labcorp
Classification: Uncertain significance for Neuropathy, hereditary sensory and autonomic, type 2A; Generalized epilepsy with febrile seizures plus, type 7. Last evaluated: 2025-08-18. Review status: criteria provided, single submitter. Criteria: Invitae Variant Classification Sherloc (09022015). Collection method: clinical testing. Allele origin: germline.
Comment: This sequence change replaces methionine, which is neutral and non-polar, with threonine, which is neutral and polar, at codon 1230 of the SCN9A protein (p.Met1230Thr). This variant is not present in population databases (gnomAD no frequency). This missense change has been observed in individual(s) with small fiber neuropathy (PMID: 30554136). ClinVar contains an entry for this variant (Variation ID: 538436). Invitae Evidence Modeling of protein sequence and biophysical properties (such as structural, functional, and spatial information, amino acid conservation, physicochemical variation, residue mobility, and thermodynamic stability) has been performed for this missense variant. However, the output from this modeling did not meet the statistical confidence thresholds required to predict the impact of this variant on SCN9A protein function. In summary, the available evidence is currently insufficient to determine the role of this variant in disease. Therefore, it has been classified as a Variant of Uncertain Significance.

Literature cited by the submitters: PubMed 30554136.